The following is an entry in ClinVar:

ClinVar aggregate classification (germline): Uncertain significance. Review status: criteria provided, multiple submitters, no conflicts (2 of 4 stars). 2 submissions from 2 submitters: Uncertain significance (2). Last evaluated 2024-12-10.

Allele frequency attached by ClinVar (database versions not stated): gnomAD exomes below 0.00001.
gnomAD v4.1: 2 of 1,608,680 alleles (0.00012%); highest among the groups gnomAD compares: Non-Finnish European, 0.00017%; no homozygotes.

Submissions (2):

Ambry Genetics
Classification: Uncertain significance. Last evaluated: 2024-12-10. Review status: criteria provided, single submitter. Criteria: Ambry Variant Classification Scheme 2023. Collection method: clinical testing. Allele origin: germline.
Comment: The p.R246T variant (also known as c.737G>C), located in coding exon 6 of the RNF43 gene, results from a G to C substitution at nucleotide position 737. The arginine at codon 246 is replaced by threonine, an amino acid with similar properties. This amino acid position is conserved. In addition, this alteration is predicted to be tolerated by in silico analysis. Based on the available evidence, the clinical significance of this variant remains unclear.

Labcorp Genetics (formerly Invitae), Labcorp
Classification: Uncertain significance. Last evaluated: 2023-08-31. Review status: criteria provided, single submitter. Criteria: Invitae Variant Classification Sherloc (09022015). Collection method: clinical testing. Allele origin: germline.
Comment: In summary, the available evidence is currently insufficient to determine the role of this variant in disease. Therefore, it has been classified as a Variant of Uncertain Significance. An algorithm developed to predict the effect of missense changes on protein structure and function (PolyPhen-2) suggests that this variant is likely to be disruptive. This variant has not been reported in the literature in individuals affected with RNF43-related conditions. This variant is not present in population databases (gnomAD no frequency). This sequence change replaces arginine, which is basic and polar, with threonine, which is neutral and polar, at codon 246 of the RNF43 protein (p.Arg246Thr).

NM_017763.6(RNF43):c.737G>C (p.Arg246Thr)

Gene: RNF43 (ring finger protein 43; minus strand). Cytogenetic location: 17q22.
Variant type: single nucleotide variant.
Coding change: c.737G>C on transcript NM_017763.6 (MANE Select); coding-DNA position 737, G replaced by C.
Protein change: p.Arg246Thr; replaces arginine 246 with threonine.
Molecular consequence: missense variant.
Genome position (GRCh38, 1-based): chr17:58,360,895, C>G on the plus strand (G>C on the coding strand, the complement: RNF43 is on the minus strand). VCF-style: chr17-58360895-C-G. GRCh37 (hg19) VCF-style: chr17-56438256-C-G.
Other names: c.737G>C, p.Arg246Thr (NM_001305544.3); c.356G>C, p.Arg119Thr (NM_001305545.2); short protein forms R119T, R246T.
Identifiers: ClinVar variation 2906626 (VCV002906626.4), dbSNP rs2143447460, ClinGen allele CA400334083.